The following is an entry in ClinVar:

ClinVar aggregate classification (germline): Uncertain significance (1 of 4 stars; one submission).

gnomAD v4.1: 8 of 1,614,152 alleles (0.0005%); highest among the groups gnomAD compares: Non-Finnish European, 0.00059%; no homozygotes.

Submission:

Women's Health and Genetics/Laboratory Corporation of America, LabCorp
Classification: Uncertain significance. Last evaluated: 2025-11-17. Review status: criteria provided, single submitter. Criteria: LabCorp Variant Classification Summary - May 2015. Collection method: clinical testing. Allele origin: germline.
Comment: Variant summary: AP4B1 c.1592G>A (p.Arg531Gln) results in a conservative amino acid change in the encoded protein sequence. Algorithms developed to predict the effect of missense changes on protein structure and function all suggest that this variant is likely to be tolerated. The variant allele was found at a frequency of 8e-06 in 251460 control chromosomes. The available data on variant occurrences in the general population are insufficient to allow any conclusion about variant significance. To our knowledge, no occurrence of c.1592G>A in individuals affected with AP4B1-related conditions and no experimental evidence demonstrating its impact on protein function have been reported. No submitters have cited clinical-significance assessments for this variant to ClinVar. Based on the evidence outlined above, the variant was classified as uncertain significance.

NM_001253852.3(AP4B1):c.1592G>A (p.Arg531Gln)

Genes: AP4B1 (adaptor related protein complex 4 subunit beta 1; minus strand), AP4B1-AS1 (AP4B1 antisense RNA 1; plus strand). Cytogenetic location: 1p13.2.
Variant type: single nucleotide variant.
Coding change: c.1592G>A on transcript NM_001253852.3 (MANE Select); coding-DNA position 1592, G replaced by A.
Protein change: p.Arg531Gln; replaces arginine 531 with glutamine.
Molecular consequence: missense variant.
Genome position (GRCh38, 1-based): chr1:113,895,957, C>T on the plus strand (G>A on the coding strand, the complement: AP4B1 is on the minus strand). VCF-style: chr1-113895957-C-T. GRCh37 (hg19) VCF-style: chr1-114438579-C-T.
Other names: c.1295G>A, p.Arg432Gln (NM_001253853.3); c.1088G>A, p.Arg363Gln (NM_001308312.2, NM_001438376.1); c.1367G>A, p.Arg456Gln (NM_001437822.1); c.1592G>A, p.Arg531Gln (NM_001438373.1, NM_006594.5); c.1313G>A, p.Arg438Gln (NM_001438374.1); c.1280G>A, p.Arg427Gln (NM_001438375.1); c.1055G>A, p.Arg352Gln (NM_001438377.1); c.1001G>A, p.Arg334Gln (NM_001438378.1); and 1 more; short protein forms R259Q, R334Q, R352Q, R363Q, R427Q, R432Q, R438Q, R456Q.
Identifiers: ClinVar variation 4536656 (VCV004536656.1).
Genomic context (GRCh38, chr1:113,895,957, plus strand): 5'-CTTTCTGCCGGATCCTCCAAAAGTCCAAGAGTAGGGTCAGATTTAGGGCTACACAGAATC[C>T]GCTTAACTTCATCAATGCCAACTAAGAGGAGGCGATAATAGAAGAGACCTCGGTCCCGTA-3'
Protein context (NP_001240781.1, residues 521-541): LLLVGIDEVK[Arg531Gln]ILCSPKSDPT